The following is an entry in ClinVar:

ClinVar aggregate classification (germline): Benign/Likely benign. Review status: criteria provided, multiple submitters, no conflicts (2 of 4 stars). 3 submissions from 3 submitters: Benign (1); Likely benign (1). 1 of the submissions does not count toward it. Last evaluated 2025-03-18.

Conditions:
Prostate cancer, hereditary, 9 (HPC9). Identifiers: Orphanet 1331, MedGen C1970250, MONDO:0012597, OMIM 610997.
Hereditary cancer-predisposing syndrome. Also called: Neoplastic Syndromes, Hereditary; Tumor predisposition; Hereditary neoplastic syndrome; Hereditary Cancer Syndrome. Identifiers: Orphanet 140162, MedGen C0027672, MeSH D009386, MONDO:0015356.
Prostate cancer, hereditary, 1 (HPC1). Identifiers: Orphanet 1331, MedGen C4722327, MONDO:0011098, OMIM 601518.

Allele frequency attached by ClinVar (database versions not stated): TOPMed 0.00001.

Submissions (3):

Ambry Genetics
Classification: Likely benign for Hereditary cancer-predisposing syndrome. Last evaluated: 2025-03-18. Review status: criteria provided, single submitter. Criteria: Ambry Variant Classification Scheme 2023. Collection method: clinical testing. Allele origin: germline.

Myriad Genetics, Inc.
Classification: Benign for Prostate cancer, hereditary, 9. Last evaluated: 2024-10-28. Review status: criteria provided, single submitter. Criteria: Myriad Autosomal Dominant, Autosomal Recessive and X-Linked Classification Criteria (2023). Collection method: clinical testing. Allele origin: unknown.
Comment: This variant is considered benign. This variant is a silent/synonymous amino acid change and it is not expected to impact splicing.

Laboratory of Virology, Microbiology,  Quality and Medical Biotechnologies, Faculty of Sciences and Techniques - Mohammedia, Hassan II University of Casablanca
Classification: Uncertain significance for Prostate cancer, hereditary, 1. Review status: no assertion criteria provided. Collection method: clinical testing. Allele origin: somatic. Affected: yes. Not counted in ClinVar's aggregate classification.

NM_006361.6(HOXB13):c.21C>T (p.Ala7=)

Gene: HOXB13 (homeobox B13; minus strand). Cytogenetic location: 17q21.32.
Variant type: single nucleotide variant.
Coding change: c.21C>T on transcript NM_006361.6 (MANE Select); coding-DNA position 21, C replaced by T.
Protein change: p.Ala7=; no amino-acid change (alanine 7 retained).
Molecular consequence: synonymous variant.
Genome position (GRCh38, 1-based): chr17:48,728,573, G>A on the plus strand (C>T on the coding strand, the complement: HOXB13 is on the minus strand). VCF-style: chr17-48728573-G-A. GRCh37 (hg19) VCF-style: chr17-46805935-G-A.
Identifiers: ClinVar variation 690640 (VCV000690640.4), dbSNP rs1597935358, ClinGen allele CA500503379.
Genomic context (GRCh38, chr17:48,728,573, plus strand): 5'-CAGATTCCGCCCCCCTCCCGCTCCCAGCAAGCCTTCGATATCCTTGGCTCCATCCAAGGT[G>A]GCATAATTGCCGGGCTCCATGGAGCCGAGGGTCGGCTCATGAGGTGCGGGGGCGGGGAAT-3'
Protein context (NP_006352.2, residues 1-17): MEPGNY[Ala7=]TLDGAKDIEG